The following is an entry in ClinVar:

NM_080424.4(SP110):c.1362dup (p.Asp455Ter)

Gene: SP110 (SP110 nuclear body protein; minus strand). Cytogenetic location: 2q37.1.
Variant type: Duplication.
Coding change: c.1362dup on transcript NM_080424.4 (MANE Select); coding-DNA position 1362, one base duplicated (T; older notation c.1362dupT).
Protein change: p.Asp455Ter; replaces aspartic acid 455 with a stop codon.
Molecular consequence: nonsense.
Genome position (GRCh38, 1-based): chr2:230,178,242, A duplicated on the plus strand (T on the coding strand, the reverse complement: SP110 is on the minus strand). VCF-style (leftmost placement, unchanged base first): chr2-230178241-C-CA. GRCh37 (hg19) VCF-style: chr2-231042957-C-CA.
Other names: c.1380dup, p.Asp461Ter (NM_001185015.2, NM_001378442.1, NM_001378444.1 and 2 more transcripts); c.1362dup, p.Asp455Ter (NM_001378443.1, NM_004509.5, NM_004510.4); c.1212dup, p.Asp405Ter (NM_001378447.1); c.1362dup (NM_004509.4); short protein forms D405*, D455*, D461*.
Identifiers: ClinVar variation 1424039 (VCV001424039.7), dbSNP rs754452211, ClinGen allele CA2154516.
Genomic context (GRCh38, chr2:230,178,241, plus strand): 5'-AAATCCCTTTCGCCTCACCACAGGTCACGGGGAGCTTAGAACAGTGAAAATCCACAGTGT[C>CA]ACTTTTGGGTTTTCCTTAAAGTAGAAGAGAACAGTTTTGTGTTATTCAGTCTTCACTCCA-3'

ClinVar aggregate classification (germline): Pathogenic/Likely pathogenic. Review status: criteria provided, multiple submitters, no conflicts (2 of 4 stars). 2 submissions from 2 submitters: Pathogenic (1); Likely pathogenic (1). Last evaluated 2026-01-28.

Conditions:
Hepatic veno-occlusive disease-immunodeficiency syndrome. Also called: Hepatic Veno-Occlusive Disease with Immunodeficiency. Identifiers: Orphanet 79124, MedGen C1856128, MONDO:0009338, OMIM 235550. Disease mechanism: loss of function.
Mycobacterium tuberculosis, susceptibility to. Identifiers: MedGen C1834752, OMIM 607948.

Allele frequency attached by ClinVar (database versions not stated): TOPMed 0.00001; gnomAD exomes 0.00002 and 0.00003; ExAC 0.00007.

Submissions (2):

Labcorp Genetics (formerly Invitae), Labcorp
Classification: Pathogenic for Hepatic veno-occlusive disease-immunodeficiency syndrome. Last evaluated: 2026-01-28. Review status: criteria provided, single submitter. Criteria: Invitae Variant Classification Sherloc (09022015). Collection method: clinical testing. Allele origin: germline.
Comment: This sequence change creates a premature translational stop signal (p.Asp455*) in the SP110 gene. It is expected to result in an absent or disrupted protein product. Loss-of-function variants in SP110 are known to be pathogenic (PMID: 16648851, 22621957). This variant is present in population databases (rs754452211, gnomAD 0.006%). This variant has not been reported in the literature in individuals affected with SP110-related conditions. ClinVar contains an entry for this variant (Variation ID: 1424039). For these reasons, this variant has been classified as Pathogenic.

Fulgent Genetics
Classification: Likely pathogenic for Hepatic veno-occlusive disease-immunodeficiency syndrome; Mycobacterium tuberculosis, susceptibility to. Last evaluated: 2024-01-31. Review status: criteria provided, single submitter. Criteria: ACMG Guidelines, 2015. Collection method: clinical testing. Allele origin: germline.

Literature cited by the submitters: PubMed 16648851 (cited by Labcorp Genetics (formerly Invitae), Labcorp); PubMed 22621957 (cited by Labcorp Genetics (formerly Invitae), Labcorp).